The following is an entry in ClinVar:

NM_001195248.2(APTX):c.89G>A (p.Gly30Asp)

Gene: APTX (aprataxin; minus strand). Cytogenetic location: 9p21.1.
Variant type: single nucleotide variant.
Coding change: c.89G>A on transcript NM_001195248.2 (MANE Select); coding-DNA position 89, G replaced by A.
Protein change: p.Gly30Asp; replaces glycine 30 with aspartic acid.
Molecular consequence: missense variant. On other transcripts: 5 prime UTR variant (8), non-coding transcript variant (13).
Genome position (GRCh38, 1-based): chr9:32,989,803, C>T on the plus strand (G>A on the coding strand, the complement: APTX is on the minus strand). VCF-style: chr9-32989803-C-T. GRCh37 (hg19) VCF-style: chr9-32989801-C-T.
Other names: c.89G>A, p.Gly30Asp (NM_001195249.2, NM_001195250.2, NM_001195251.2 and 11 more transcripts); c.-171G>A (NM_001369002.1, NM_001369003.1, NM_001369005.1 and 4 more transcripts); c.-129G>A (NM_001369004.1); c.-319G>A (NM_175071.1); short protein forms G30D.
Identifiers: ClinVar variation 1970418 (VCV001970418.5), dbSNP rs2489661869, ClinGen allele CA373181071.
Genomic context (GRCh38, chr9:32,989,803, plus strand): 5'-TTCTATGACCAGTTACCTTGCTGTCGAGAACATTTCTTATCAGTGATCTTGGTCTCTGGG[C>T]CACGCCCAATCACAACTGCTTCCAAATGTGGAAGTCTGATTCGCTGGTGCCGGCTGTCCT-3'
Protein context (NP_001182177.2, residues 20-40): PHLEAVVIGR[Gly30Asp]PETKITDKKC

ClinVar aggregate classification (germline): Uncertain significance (1 of 4 stars; one submission).

Allele frequency attached by ClinVar (database versions not stated): gnomAD exomes below 0.00001.
gnomAD v4.1: 2 of 1,614,246 alleles (0.00012%); highest among the groups gnomAD compares: East Asian, 0.0045%; no homozygotes.

Submission:

Labcorp Genetics (formerly Invitae), Labcorp
Classification: Uncertain significance. Last evaluated: 2022-07-06. Review status: criteria provided, single submitter. Criteria: Invitae Variant Classification Sherloc (09022015). Collection method: clinical testing. Allele origin: germline.
Comment: In summary, the available evidence is currently insufficient to determine the role of this variant in disease. Therefore, it has been classified as a Variant of Uncertain Significance. Algorithms developed to predict the effect of missense changes on protein structure and function are either unavailable or do not agree on the potential impact of this missense change (SIFT: "Tolerated"; PolyPhen-2: "Possibly Damaging"; Align-GVGD: "Class C0"). This variant has not been reported in the literature in individuals affected with APTX-related conditions. This variant is not present in population databases (gnomAD no frequency). This sequence change replaces glycine, which is neutral and non-polar, with aspartic acid, which is acidic and polar, at codon 30 of the APTX protein (p.Gly30Asp).